The following is an entry in ClinVar:

ClinVar aggregate classification (germline): Uncertain significance. Review status: criteria provided, multiple submitters, no conflicts (2 of 4 stars). 2 submissions from 2 submitters: Uncertain significance (2). Last evaluated 2025-02-03.

Conditions:
Hereditary cancer-predisposing syndrome. Also called: Hereditary Cancer Syndrome; Neoplastic Syndromes, Hereditary; Hereditary neoplastic syndrome; Tumor predisposition. Identifiers: Orphanet 140162, MedGen C0027672, MeSH D009386, MONDO:0015356.
Hereditary diffuse gastric adenocarcinoma (HDGC). Also called: DIFFUSE GASTRIC AND LOBULAR BREAST CANCER SYNDROME. Identifiers: Orphanet 26106, MedGen C1708349, MONDO:0007648, OMIM 137215.

Submissions (2):

Ambry Genetics
Classification: Uncertain significance for Hereditary cancer-predisposing syndrome. Last evaluated: 2025-02-03. Review status: criteria provided, single submitter. Criteria: Ambry Variant Classification Scheme 2023. Collection method: clinical testing. Allele origin: germline.
Comment: The p.R550G variant (also known as c.1648A>G), located in coding exon 11 of the CDH1 gene, results from an A to G substitution at nucleotide position 1648. The arginine at codon 550 is replaced by glycine, an amino acid with dissimilar properties. This variant was detected in multiple individuals with no reported features of CDH1-related diffuse gastric and lobular breast cancer (Ambry internal data). This amino acid position is highly conserved in available vertebrate species. In addition, this alteration is predicted to be deleterious by in silico analysis. Based on the available evidence, the clinical significance of this variant remains unclear.

Labcorp Genetics (formerly Invitae), Labcorp
Classification: Uncertain significance for Hereditary diffuse gastric adenocarcinoma. Last evaluated: 2024-01-29. Review status: criteria provided, single submitter. Criteria: Invitae Variant Classification Sherloc (09022015). Collection method: clinical testing. Allele origin: germline.
Comment: This sequence change replaces arginine, which is basic and polar, with glycine, which is neutral and non-polar, at codon 550 of the CDH1 protein (p.Arg550Gly). This variant is not present in population databases (gnomAD no frequency). This variant has not been reported in the literature in individuals affected with CDH1-related conditions. ClinVar contains an entry for this variant (Variation ID: 819743). An algorithm developed to predict the effect of missense changes on protein structure and function (PolyPhen-2) suggests that this variant is likely to be disruptive. In summary, the available evidence is currently insufficient to determine the role of this variant in disease. Therefore, it has been classified as a Variant of Uncertain Significance.

NM_004360.5(CDH1):c.1648A>G (p.Arg550Gly)

Gene: CDH1 (cadherin 1; plus strand). Cytogenetic location: 16q22.1.
Variant type: single nucleotide variant.
Coding change: c.1648A>G on transcript NM_004360.5 (MANE Select); coding-DNA position 1648, A replaced by G.
Protein change: p.Arg550Gly; replaces arginine 550 with glycine.
Molecular consequence: missense variant. On other transcripts: intron variant (1).
Genome position (GRCh38, 1-based): chr16:68,819,362, A>G. VCF-style: chr16-68819362-A-G. GRCh37 (hg19) VCF-style: chr16-68853265-A-G.
Other names: c.1465A>G, p.Arg489Gly (NM_001317184.2); c.100A>G, p.Arg34Gly (NM_001317185.2); c.-254-2639A>G (NM_001317186.2); short protein forms R34G, R489G, R550G.
Identifiers: ClinVar variation 819743 (VCV000819743.15), dbSNP rs1596960520, ClinGen allele CA396465211.